The following is an entry in ClinVar:

ClinVar aggregate classification (germline): Conflicting classifications of pathogenicity. Review status: criteria provided, conflicting classifications (1 of 4 stars). 4 submissions from 4 submitters: Uncertain significance (1); Benign (2); Likely benign (1). Last evaluated 2026-01-20.

Conditions:
SARS2-related disorder. Also called: SARS2-related condition.
Hyperuricemia, pulmonary hypertension, renal failure, alkalosis syndrome (HUPRAS). Also called: HYPERURICEMIA, PULMONARY HYPERTENSION, RENAL FAILURE, AND ALKALOSIS SYNDROME; HUPRA SYNDROME. Identifiers: Orphanet 363694, MedGen C3151209, MONDO:0013458, OMIM 613845.

Allele frequency attached by ClinVar (database versions not stated): ExAC 0.00062; gnomAD exomes 0.00063; ESP Exome Variant Server 0.00092; TOPMed 0.00111; 1000 Genomes Project 0.00140; 1000 Genomes Project 30x 0.00141.
gnomAD v4.1: 673 of 1,614,202 alleles (0.042%); highest among the groups gnomAD compares: African/African-American, 0.3%; 2 homozygotes.

Submissions (4):

Labcorp Genetics (formerly Invitae), Labcorp
Classification: Benign. Last evaluated: 2026-01-20. Review status: criteria provided, single submitter. Criteria: Invitae Variant Classification Sherloc (09022015). Collection method: clinical testing. Allele origin: germline.

PreventionGenetics, part of Exact Sciences
Classification: Likely benign for SARS2-related condition. Last evaluated: 2025-11-07. Review status: criteria provided, single submitter. Criteria: ACMG Guidelines, 2015. Collection method: clinical testing. Allele origin: germline.
Comment: This variant is classified as likely benign based on ACMG/AMP sequence variant interpretation guidelines (Richards et al. 2015 PMID: 25741868, with internal and published modifications).

Illumina Laboratory Services, Illumina
Classification: Uncertain significance for Hyperuricemia, pulmonary hypertension, renal failure, alkalosis syndrome. Last evaluated: 2018-01-12. Review status: criteria provided, single submitter. Criteria: ICSL Variant Classification Criteria 13 December 2019. Collection method: clinical testing. Allele origin: germline.

GeneDx
Classification: Benign. Last evaluated: 2014-06-23. Review status: criteria provided, single submitter. Criteria: GeneDx Variant Classification (06012015). Collection method: clinical testing. Allele origin: germline. Affected: yes.
Comment: This variant is considered likely benign or benign based on one or more of the following criteria: it is a conservative change, it occurs at a poorly conserved position in the protein, it is predicted to be benign by multiple in silico algorithms, and/or has population frequency not consistent with disease.

NM_017827.4(SARS2):c.501G>A (p.Ala167=)

Gene: SARS2 (seryl-tRNA synthetase 2, mitochondrial; minus strand). Cytogenetic location: 19q13.2.
Variant type: single nucleotide variant.
Coding change: c.501G>A on transcript NM_017827.4 (MANE Select); coding-DNA position 501, G replaced by A.
Protein change: p.Ala167=; no amino-acid change (alanine 167 retained).
Molecular consequence: synonymous variant.
Genome position (GRCh38, 1-based): chr19:38,921,560, C>T on the plus strand (G>A on the coding strand, the complement: SARS2 is on the minus strand). VCF-style: chr19-38921560-C-T. GRCh37 (hg19) VCF-style: chr19-39412200-C-T.
Other names: p.A167A:GCG>GCA; c.507G>A, p.Ala169= (NM_001145901.2).
Identifiers: ClinVar variation 215109 (VCV000215109.13), dbSNP rs140304897, ClinGen allele CA324326.